The following is an entry in ClinVar:

NM_001194998.2(CEP152):c.3058C>G (p.Leu1020Val)

Gene: CEP152 (centrosomal protein 152; minus strand). Cytogenetic location: 15q21.1.
Variant type: single nucleotide variant.
Coding change: c.3058C>G on transcript NM_001194998.2 (MANE Select); coding-DNA position 3058, C replaced by G.
Protein change: p.Leu1020Val; replaces leucine 1020 with valine.
Molecular consequence: missense variant.
Genome position (GRCh38, 1-based): chr15:48,756,190, G>C on the plus strand (C>G on the coding strand, the complement: CEP152 is on the minus strand). VCF-style: chr15-48756190-G-C. GRCh37 (hg19) VCF-style: chr15-49048387-G-C.
Other names: c.3058C>G (NM_014985.3); c.3058C>G, p.Leu1020Val (NM_014985.4); short protein forms L1020V.
Identifiers: ClinVar variation 2075955 (VCV002075955.2), dbSNP rs372487939, ClinGen allele CA7548425.

ClinVar aggregate classification (germline): Uncertain significance. Review status: criteria provided, multiple submitters, no conflicts (2 of 4 stars). 2 submissions from 2 submitters: Uncertain significance (2). Last evaluated 2025-08-05.

Conditions:
Inborn genetic diseases. Identifiers: MedGen C0950123, MeSH D030342.

Allele frequency attached by ClinVar (database versions not stated): ESP Exome Variant Server 0.00017; gnomAD 0.00026; TOPMed 0.00037; 1000 Genomes Project 0.00060; 1000 Genomes Project 30x 0.00062.

Submissions (2):

Ambry Genetics
Classification: Uncertain significance for Inborn genetic diseases. Last evaluated: 2025-08-05. Review status: criteria provided, single submitter. Criteria: Ambry Variant Classification Scheme 2023. Collection method: clinical testing. Allele origin: germline.

Labcorp Genetics (formerly Invitae), Labcorp
Classification: Uncertain significance. Last evaluated: 2022-08-16. Review status: criteria provided, single submitter. Criteria: Invitae Variant Classification Sherloc (09022015). Collection method: clinical testing. Allele origin: germline.
Comment: This sequence change replaces leucine, which is neutral and non-polar, with valine, which is neutral and non-polar, at codon 1020 of the CEP152 protein (p.Leu1020Val). This variant is present in population databases (rs372487939, gnomAD 0.1%). This variant has not been reported in the literature in individuals affected with CEP152-related conditions. Algorithms developed to predict the effect of missense changes on protein structure and function are either unavailable or do not agree on the potential impact of this missense change (SIFT: "Tolerated"; PolyPhen-2: "Probably Damaging"; Align-GVGD: "Class C0"). In summary, the available evidence is currently insufficient to determine the role of this variant in disease. Therefore, it has been classified as a Variant of Uncertain Significance.